The following is an entry in ClinVar:

ClinVar aggregate classification (germline): Likely benign. Review status: criteria provided, multiple submitters, no conflicts (2 of 4 stars). 3 submissions from 3 submitters: Likely benign (2). 1 of the submissions does not count toward it. Last evaluated 2025-04-09.

Conditions:
FHOD3-related disorder. Also called: FHOD3-related condition.

Allele frequency attached by ClinVar (database versions not stated): ExAC 0.00008; gnomAD exomes 0.00019; gnomAD 0.00076; 1000 Genomes Project 30x 0.00078; TOPMed 0.00103.

Submissions (3):

Molecular Diagnostic Laboratory for Inherited Cardiovascular Disease, Montreal Heart Institute
Classification: Likely benign. Last evaluated: 2025-04-09. Review status: criteria provided, single submitter. Criteria: ACMG Guidelines, 2015. Collection method: clinical testing. Allele origin: germline. Affected: no.
Comment: BS1

Blueprint Genetics
Classification: Likely benign. Last evaluated: 2024-11-27. Review status: criteria provided, single submitter. Criteria: ACMG Guidelines, 2015. Collection method: clinical testing. Allele origin: germline.

PreventionGenetics, part of Exact Sciences
Classification: Likely benign for FHOD3-related condition. Last evaluated: 2023-08-12. Review status: no assertion criteria provided. Collection method: clinical testing. Allele origin: germline. Not counted in ClinVar's aggregate classification.
Comment: This variant is classified as likely benign based on ACMG/AMP sequence variant interpretation guidelines (Richards et al. 2015 PMID: 25741868, with internal and published modifications).

NM_001281740.3(FHOD3):c.1243G>A (p.Glu415Lys)

Gene: FHOD3 (formin homology 2 domain containing 3; plus strand). Cytogenetic location: 18q12.2.
Variant type: single nucleotide variant.
Coding change: c.1243G>A on transcript NM_001281740.3 (MANE Select); coding-DNA position 1243, G replaced by A.
Protein change: p.Glu415Lys; replaces glutamic acid 415 with lysine.
Molecular consequence: missense variant. On other transcripts: intron variant (2).
Genome position (GRCh38, 1-based): chr18:36,649,362, G>A. VCF-style: chr18-36649362-G-A. GRCh37 (hg19) VCF-style: chr18-34229325-G-A.
Other names: c.1197-8713G>A (NM_025135.5, NM_001281739.3); short protein forms E415K.
Identifiers: ClinVar variation 3045092 (VCV003045092.4), dbSNP rs756014266, ClinGen allele CA8941585.